The following is an entry in ClinVar:

NM_022829.6(SLC13A3):c.587A>G (p.Gln196Arg)

Gene: SLC13A3 (solute carrier family 13 member 3; minus strand). Cytogenetic location: 20q13.12.
Variant type: single nucleotide variant.
Coding change: c.587A>G on transcript NM_022829.6 (MANE Select); coding-DNA position 587, A replaced by G.
Protein change: p.Gln196Arg; replaces glutamine 196 with arginine.
Molecular consequence: missense variant. On other transcripts: intron variant (1).
Genome position (GRCh38, 1-based): chr20:46,599,992, T>C on the plus strand (A>G on the coding strand, the complement: SLC13A3 is on the minus strand). VCF-style: chr20-46599992-T-C. GRCh37 (hg19) VCF-style: chr20-45228631-T-C.
Other names: c.446A>G, p.Gln149Arg (NM_001011554.3, NM_001193340.2); c.293A>G, p.Gln98Arg (NM_001193342.2); c.542-3650A>G (NM_001193339.2); short protein forms Q149R, Q196R, Q98R.
Identifiers: ClinVar variation 1947464 (VCV001947464.5), dbSNP rs767202110, ClinGen allele CA9891581.

ClinVar aggregate classification (germline): Uncertain significance (1 of 4 stars; one submission).

Allele frequency attached by ClinVar (database versions not stated): gnomAD exomes below 0.00001; ExAC 0.00001; gnomAD 0.00001.
gnomAD v4.1: 5 of 1,578,762 alleles (0.00032%); highest among the groups gnomAD compares: Admixed American, 0.0034%; no homozygotes.

Submission:

Labcorp Genetics (formerly Invitae), Labcorp
Classification: Uncertain significance. Last evaluated: 2025-08-04. Review status: criteria provided, single submitter. Criteria: Invitae Variant Classification Sherloc (09022015). Collection method: clinical testing. Allele origin: germline.
Comment: This sequence change replaces glutamine, which is neutral and polar, with arginine, which is basic and polar, at codon 196 of the SLC13A3 protein (p.Gln196Arg). This variant is present in population databases (rs767202110, gnomAD 0.006%). This variant has not been reported in the literature in individuals affected with SLC13A3-related conditions. ClinVar contains an entry for this variant (Variation ID: 1947464). An algorithm developed to predict the effect of missense changes on protein structure and function outputs the following: PolyPhen-2: "Benign". The arginine amino acid residue is found in multiple mammalian species, which suggests that this missense change does not adversely affect protein function. In summary, the available evidence is currently insufficient to determine the role of this variant in disease. Therefore, it has been classified as a Variant of Uncertain Significance.